The following is an entry in ClinVar:

ClinVar aggregate classification (germline): Uncertain significance. Review status: criteria provided, multiple submitters, no conflicts (2 of 4 stars). 2 submissions from 2 submitters: Uncertain significance (2). Last evaluated 2025-08-05.

Conditions:
Primary ciliary dyskinesia. Also called: Ciliary dyskinesia. Identifiers: Orphanet 244, MedGen C0008780, MONDO:0016575, HP:0012265.

Allele frequency attached by ClinVar (database versions not stated): TOPMed 0.00022; gnomAD 0.00025; ESP Exome Variant Server 0.00031.
gnomAD v4.1: 406 of 1,574,572 alleles (0.026%); highest among the groups gnomAD compares: Non-Finnish European, 0.034%; no homozygotes.

Submissions (2):

Ambry Genetics
Classification: Uncertain significance. Last evaluated: 2025-08-05. Review status: criteria provided, single submitter. Criteria: Ambry Variant Classification Scheme 2023. Collection method: clinical testing. Allele origin: germline.

Labcorp Genetics (formerly Invitae), Labcorp
Classification: Uncertain significance for Primary ciliary dyskinesia. Last evaluated: 2022-08-23. Review status: criteria provided, single submitter. Criteria: Invitae Variant Classification Sherloc (09022015). Collection method: clinical testing. Allele origin: germline.
Comment: This sequence change replaces aspartic acid, which is acidic and polar, with histidine, which is basic and polar, at codon 1236 of the DNAH8 protein (p.Asp1236His). This variant is present in population databases (rs201420305, gnomAD 0.05%). This variant has not been reported in the literature in individuals affected with DNAH8-related conditions. ClinVar contains an entry for this variant (Variation ID: 582767). Algorithms developed to predict the effect of missense changes on protein structure and function are either unavailable or do not agree on the potential impact of this missense change (SIFT: "Tolerated"; PolyPhen-2: "Not Available"; Align-GVGD: "Class C0"). In summary, the available evidence is currently insufficient to determine the role of this variant in disease. Therefore, it has been classified as a Variant of Uncertain Significance.

NM_001206927.2(DNAH8):c.3706G>C (p.Asp1236His)

Gene: DNAH8 (dynein axonemal heavy chain 8; plus strand). Cytogenetic location: 6p21.2.
Variant type: single nucleotide variant.
Coding change: c.3706G>C on transcript NM_001206927.2 (MANE Select); coding-DNA position 3706, G replaced by C.
Protein change: p.Asp1236His; replaces aspartic acid 1236 with histidine.
Molecular consequence: missense variant.
Genome position (GRCh38, 1-based): chr6:38,823,020, G>C. VCF-style: chr6-38823020-G-C. GRCh37 (hg19) VCF-style: chr6-38790796-G-C.
Other names: c.3055G>C, p.Asp1019His (NM_001371.4); short protein forms D1236H, D1019H.
Identifiers: ClinVar variation 582767 (VCV000582767.7), dbSNP rs201420305, ClinGen allele CA3788913.
Genomic context (GRCh38, chr6:38,823,020, plus strand): 5'-GCAGCTCATGAGGCCCTGCAGGACTTTCAGAAGTACAAGACTCTCTGGACAGAGGACCGC[G>C]ATGTGAAAGTGAAGGTGTCTTTCTGCTACTTGTGATGTTGTTTGGGTTTTGTTTGTCTCT-3'
Protein context (NP_001193856.1, residues 1226-1246): KYKTLWTEDR[Asp1236His]VKVKEFLANN